The following is an entry in ClinVar:

NM_144666.3(DNHD1):c.2646C>T (p.Phe882=)

Gene: DNHD1 (dynein heavy chain domain 1; plus strand). Cytogenetic location: 11p15.4.
Variant type: single nucleotide variant.
Coding change: c.2646C>T on transcript NM_144666.3 (MANE Select); coding-DNA position 2646, C replaced by T.
Protein change: p.Phe882=; no amino-acid change (phenylalanine 882 retained).
Molecular consequence: synonymous variant.
Genome position (GRCh38, 1-based): chr11:6,533,821, C>T. VCF-style: chr11-6533821-C-T. GRCh37 (hg19) VCF-style: chr11-6555051-C-T.
Identifiers: ClinVar variation 3037444 (VCV003037444.2), dbSNP rs371762508, ClinGen allele CA5855817.

ClinVar aggregate classification (germline): Likely benign (0 of 4 stars; one submission).

Conditions:
DNHD1-related disorder. Also called: DNHD1-related condition.

Allele frequency attached by ClinVar (database versions not stated): gnomAD 0.00009; TOPMed 0.00011; ESP Exome Variant Server 0.00022; ExAC 0.00045.
gnomAD v4.1: 162 of 1,551,100 alleles (0.01%); highest among the groups gnomAD compares: Middle Eastern, 0.017%; no homozygotes.

Submission:

PreventionGenetics, part of Exact Sciences
Classification: Likely benign for DNHD1-related condition. Last evaluated: 2019-05-17. Review status: no assertion criteria provided. Collection method: clinical testing. Allele origin: germline.
Comment: This variant is classified as likely benign based on ACMG/AMP sequence variant interpretation guidelines (Richards et al. 2015 PMID: 25741868, with internal and published modifications).